The following is an entry in ClinVar:

ClinVar aggregate classification (germline): Uncertain significance (1 of 4 stars; one submission).

Conditions:
Hereditary cancer-predisposing syndrome. Also called: Hereditary neoplastic syndrome; Neoplastic Syndromes, Hereditary; Tumor predisposition; Hereditary Cancer Syndrome. Identifiers: Orphanet 140162, MedGen C0027672, MeSH D009386, MONDO:0015356.

Submission:

Ambry Genetics
Classification: Uncertain significance for Hereditary cancer-predisposing syndrome. Last evaluated: 2024-12-25. Review status: criteria provided, single submitter. Criteria: Ambry Variant Classification Scheme 2023. Collection method: clinical testing. Allele origin: germline.
Comment: The p.V448A variant (also known as c.1343T>C), located in coding exon 6 of the ALK gene, results from a T to C substitution at nucleotide position 1343. The valine at codon 448 is replaced by alanine, an amino acid with similar properties. This amino acid position is conserved. In addition, this alteration is predicted to be tolerated by in silico analysis. Based on the available evidence, the clinical significance of this variant remains unclear.

NM_004304.5(ALK):c.1343T>C (p.Val448Ala)

Gene: ALK (ALK receptor tyrosine kinase; minus strand). Cytogenetic location: 2p23.2.
Variant type: single nucleotide variant.
Coding change: c.1343T>C on transcript NM_004304.5 (MANE Select); coding-DNA position 1343, T replaced by C.
Protein change: p.Val448Ala; replaces valine 448 with alanine.
Molecular consequence: missense variant.
Genome position (GRCh38, 1-based): chr2:29,328,421, A>G on the plus strand (T>C on the coding strand, the complement: ALK is on the minus strand). VCF-style: chr2-29328421-A-G. GRCh37 (hg19) VCF-style: chr2-29551287-A-G.
Other names: short protein forms V448A.
Identifiers: ClinVar variation 3854810 (VCV003854810.1).